The following is an entry in ClinVar:

NM_000051.4(ATM):c.859A>G (p.Ile287Val)

Gene: ATM (ATM serine/threonine kinase; plus strand). Cytogenetic location: 11q22.3.
Variant type: single nucleotide variant.
Coding change: c.859A>G on transcript NM_000051.4 (MANE Select); coding-DNA position 859, A replaced by G.
Protein change: p.Ile287Val; replaces isoleucine 287 with valine.
Molecular consequence: missense variant.
Genome position (GRCh38, 1-based): chr11:108,244,984, A>G. VCF-style: chr11-108244984-A-G. GRCh37 (hg19) VCF-style: chr11-108115711-A-G.
Other names: c.859A>G, p.Ile287Val (NM_001351834.2); short protein forms I287V.
Identifiers: ClinVar variation 1763968 (VCV001763968.4), dbSNP rs2497154227, ClinGen allele CA382529497.

ClinVar aggregate classification (germline): Uncertain significance. Review status: criteria provided, multiple submitters, no conflicts (2 of 4 stars). 2 submissions from 2 submitters: Uncertain significance (2). Last evaluated 2025-03-29.

Conditions:
Hereditary cancer-predisposing syndrome. Also called: Neoplastic Syndromes, Hereditary; Tumor predisposition; Hereditary neoplastic syndrome; Hereditary Cancer Syndrome. Identifiers: Orphanet 140162, MedGen C0027672, MeSH D009386, MONDO:0015356.
Ataxia-telangiectasia syndrome (AT). Also called: Ataxia telangiectasia (A-T); LOUIS-BAR SYNDROME; Cerebello-oculocutaneous telangiectasia; Immunodeficiency with ataxia telangiectasia; Ataxia-telangiectasia, complementation group D; AT, COMPLEMENTATION GROUP C. Identifiers: Orphanet 100, MedGen C0004135, MONDO:0008840, OMIM 208900.

Allele frequency attached by ClinVar (database versions not stated): gnomAD exomes below 0.00001.
gnomAD v4.1: 1 of 1,612,336 alleles (0.000062%); highest among the groups gnomAD compares: East Asian, 0.0022%; no homozygotes.

Submissions (2):

Labcorp Genetics (formerly Invitae), Labcorp
Classification: Uncertain significance for Ataxia-telangiectasia syndrome. Last evaluated: 2025-03-29. Review status: criteria provided, single submitter. Criteria: Invitae Variant Classification Sherloc (09022015). Collection method: clinical testing. Allele origin: germline.
Comment: This sequence change replaces isoleucine, which is neutral and non-polar, with valine, which is neutral and non-polar, at codon 287 of the ATM protein (p.Ile287Val). This variant is not present in population databases (gnomAD no frequency). This variant has not been reported in the literature in individuals affected with ATM-related conditions. ClinVar contains an entry for this variant (Variation ID: 1763968). Invitae Evidence Modeling of protein sequence and biophysical properties (such as structural, functional, and spatial information, amino acid conservation, physicochemical variation, residue mobility, and thermodynamic stability) indicates that this missense variant is not expected to disrupt ATM protein function with a negative predictive value of 95%. In summary, the available evidence is currently insufficient to determine the role of this variant in disease. Therefore, it has been classified as a Variant of Uncertain Significance.

Ambry Genetics
Classification: Uncertain significance for Hereditary cancer-predisposing syndrome. Last evaluated: 2022-07-12. Review status: criteria provided, single submitter. Criteria: Ambry Variant Classification Scheme 2023. Collection method: clinical testing. Allele origin: germline.
Comment: The p.I287V variant (also known as c.859A>G), located in coding exon 6 of the ATM gene, results from an A to G substitution at nucleotide position 859. The isoleucine at codon 287 is replaced by valine, an amino acid with highly similar properties. This amino acid position is conserved. In addition, this alteration is predicted to be tolerated by in silico analysis. Since supporting evidence is limited at this time, the clinical significance of this alteration remains unclear.